The following is an entry in ClinVar:

NM_000069.3(CACNA1S):c.600C>T (p.Ala200=)

Gene: CACNA1S (calcium voltage-gated channel subunit alpha1 S; minus strand). Cytogenetic location: 1q32.1.
Variant type: single nucleotide variant.
Coding change: c.600C>T on transcript NM_000069.3 (MANE Select); coding-DNA position 600, C replaced by T.
Protein change: p.Ala200=; no amino-acid change (alanine 200 retained).
Molecular consequence: synonymous variant.
Genome position (GRCh38, 1-based): chr1:201,091,734, G>A on the plus strand (C>T on the coding strand, the complement: CACNA1S is on the minus strand). VCF-style: chr1-201091734-G-A. GRCh37 (hg19) VCF-style: chr1-201060862-G-A.
Identifiers: ClinVar variation 2923387 (VCV002923387.5), dbSNP rs910652534, ClinGen allele CA35996595.

ClinVar aggregate classification (germline): Likely benign. Review status: criteria provided, multiple submitters, no conflicts (2 of 4 stars). 3 submissions from 3 submitters: Likely benign (3). Last evaluated 2023-08-28.

Conditions:
Malignant hyperthermia, susceptibility to, 5 (MHS5). Also called: CACNA1S-Related Malignant Hyperthermia Susceptibility. Identifiers: Orphanet 423, MedGen C1866077, MONDO:0011163, OMIM 601887.
Hypokalemic periodic paralysis, type 1. Also called: Hypokalemic Periodic Paralysis Type 1 (AD); HypoPP. Identifiers: Orphanet 681, MedGen C3714580, MONDO:0042979, OMIM 170400.

Allele frequency attached by ClinVar (database versions not stated): gnomAD exomes below 0.00001; gnomAD 0.00001.
gnomAD v4.1: 3 of 1,613,990 alleles (0.00019%); highest among the groups gnomAD compares: Middle Eastern, 0.016%; no homozygotes.

Submissions (3):

All of Us Research Program, National Institutes of Health
Classification: Likely benign for Malignant hyperthermia, susceptibility to, 5. Last evaluated: 2023-08-28. Review status: criteria provided, single submitter. Criteria: ACMG Guidelines, 2015. Collection method: clinical testing. Allele origin: germline. Inheritance: Autosomal dominant inheritance. Observed: 2 variant alleles, 2 heterozygotes.
Comment: This study involves interpretation of variants in research participants for the purpose of population health screening. Participant phenotype was not available at the time of variant classification. Additional details can be found in publication PMID: 35346344, PMCID: PMC8962531

Labcorp Genetics (formerly Invitae), Labcorp
Classification: Likely benign for Hypokalemic periodic paralysis, type 1; Malignant hyperthermia, susceptibility to, 5. Last evaluated: 2023-07-31. Review status: criteria provided, single submitter. Criteria: Invitae Variant Classification Sherloc (09022015). Collection method: clinical testing. Allele origin: germline.

Color Diagnostics, LLC DBA Color Health
Classification: Likely benign for Malignant hyperthermia, susceptibility to, 5. Last evaluated: 2022-11-06. Review status: criteria provided, single submitter. Criteria: ACMG Guidelines, 2015. Collection method: clinical testing. Allele origin: germline.